The following is an entry in ClinVar:

NM_001042492.3(NF1):c.4430+2T>C

Gene: NF1 (neurofibromin 1; plus strand). Cytogenetic location: 17q11.2.
Variant type: single nucleotide variant.
Coding change: c.4430+2T>C on transcript NM_001042492.3 (MANE Select); the canonical splice donor site of the intron after coding-DNA position 4430, T replaced by C.
Molecular consequence: splice donor variant.
Genome position (GRCh38, 1-based): chr17:31,259,131, T>C. VCF-style: chr17-31259131-T-C. GRCh37 (hg19) VCF-style: chr17-29586149-T-C.
Other names: c.4367+2T>C (NM_000267.4).
Identifiers: ClinVar variation 527560 (VCV000527560.1), dbSNP rs1555618693, ClinGen allele CA398999022.

ClinVar aggregate classification (germline): Likely pathogenic (1 of 4 stars; one submission).

Conditions:
Neurofibromatosis, type 1 (NF1). Also called: VON RECKLINGHAUSEN DISEASE; NEUROFIBROMATOSIS, TYPE I, SOMATIC; Peripheral type neurofibromatosis; Neurofibromatosis, type I. Identifiers: Orphanet 636, MedGen C0027831, MONDO:0018975, OMIM 162200. Disease mechanism: loss of function.

Submission:

Labcorp Genetics (formerly Invitae), Labcorp
Classification: Likely pathogenic for Neurofibromatosis, type 1. Last evaluated: 2017-12-29. Review status: criteria provided, single submitter. Criteria: Invitae Variant Classification Sherloc (09022015). Collection method: clinical testing. Allele origin: germline.
Comment: This sequence change affects a donor splice site in intron 32 of the NF1 gene. It is expected to disrupt RNA splicing and likely results in an absent or disrupted protein product. This variant is not present in population databases (ExAC no frequency). This variant has not been reported in the literature in individuals with NF1-related disease. Donor and acceptor splice site variants typically lead to a loss of protein function (PMID: 16199547), and loss-of-function variants in NF1 are known to be pathogenic (PMID: 10712197, 23913538). In summary, the currently available evidence indicates that the variant is pathogenic, but additional data are needed to prove that conclusively. Therefore, this variant has been classified as Likely Pathogenic.

Literature cited by the submitters: PubMed 10712197; PubMed 23913538.